The following is an entry in ClinVar:

NM_001128840.3(CACNA1D):c.3128G>A (p.Arg1043His)

Gene: CACNA1D (calcium voltage-gated channel subunit alpha1 D; plus strand). Cytogenetic location: 3p21.1.
Variant type: single nucleotide variant.
Coding change: c.3128G>A on transcript NM_001128840.3 (MANE Select); coding-DNA position 3128, G replaced by A.
Protein change: p.Arg1043His; replaces arginine 1043 with histidine.
Molecular consequence: missense variant.
Genome position (GRCh38, 1-based): chr3:53,745,836, G>A. VCF-style: chr3-53745836-G-A. GRCh37 (hg19) VCF-style: chr3-53779863-G-A.
Other names: c.3188G>A, p.Arg1063His (NM_000720.4); c.3128G>A, p.Arg1043His (NM_001128839.3); short protein forms R1043H, R1063H.
Identifiers: ClinVar variation 1419802 (VCV001419802.6), dbSNP rs202058955, ClinGen allele CA2454461.

ClinVar aggregate classification (germline): Uncertain significance (1 of 4 stars; one submission).

Allele frequency attached by ClinVar (database versions not stated): gnomAD exomes 0.00001 and 0.00002; gnomAD 0.00002; TOPMed 0.00002; ExAC 0.00004; 1000 Genomes Project 0.00020; 1000 Genomes Project 30x 0.00031.
gnomAD v4.1: 19 of 1,613,824 alleles (0.0012%); highest among the groups gnomAD compares: South Asian, 0.0055%; no homozygotes.

Submission:

Labcorp Genetics (formerly Invitae), Labcorp
Classification: Uncertain significance. Last evaluated: 2025-12-23. Review status: criteria provided, single submitter. Criteria: Invitae Variant Classification Sherloc (09022015). Collection method: clinical testing. Allele origin: germline.
Comment: This sequence change replaces arginine, which is basic and polar, with histidine, which is basic and polar, at codon 1063 of the CACNA1D protein (p.Arg1063His). This variant is present in population databases (rs202058955, gnomAD 0.01%). This variant has not been reported in the literature in individuals affected with CACNA1D-related conditions. ClinVar contains an entry for this variant (Variation ID: 1419802). Invitae Evidence Modeling of protein sequence and biophysical properties (such as structural, functional, and spatial information, amino acid conservation, physicochemical variation, residue mobility, and thermodynamic stability) indicates that this missense variant is not expected to disrupt CACNA1D protein function with a negative predictive value of 80%. In summary, the available evidence is currently insufficient to determine the role of this variant in disease. Therefore, it has been classified as a Variant of Uncertain Significance.